The following is an entry in ClinVar:

ClinVar aggregate classification (germline): Uncertain significance (1 of 4 stars; one submission).

gnomAD v4.1: 1 of 1,614,016 alleles (0.000062%); highest among the groups gnomAD compares: East Asian, 0.0022%; no homozygotes.

Submission:

Labcorp Genetics (formerly Invitae), Labcorp
Classification: Uncertain significance. Last evaluated: 2025-08-11. Review status: criteria provided, single submitter. Criteria: Invitae Variant Classification Sherloc (09022015). Collection method: clinical testing. Allele origin: germline.
Comment: This sequence change creates a premature translational stop signal (p.Arg1844*) in the FN1 gene. It is expected to result in an absent or disrupted protein product. However, the current clinical and genetic evidence is not sufficient to establish whether loss-of-function variants in FN1 cause disease. This variant is not present in population databases (gnomAD no frequency). This variant has not been reported in the literature in individuals affected with FN1-related conditions. In summary, the available evidence is currently insufficient to determine the role of this variant in disease. Therefore, it has been classified as a Variant of Uncertain Significance.

NM_212482.4(FN1):c.5530C>T (p.Arg1844Ter)

Gene: FN1 (fibronectin 1; minus strand). Cytogenetic location: 2q35.
Variant type: single nucleotide variant.
Coding change: c.5530C>T on transcript NM_212482.4 (MANE Select); coding-DNA position 5530, C replaced by T.
Protein change: p.Arg1844Ter; replaces arginine 1844 with a stop codon.
Molecular consequence: nonsense.
Genome position (GRCh38, 1-based): chr2:215,379,222, G>A on the plus strand (C>T on the coding strand, the complement: FN1 is on the minus strand). VCF-style: chr2-215379222-G-A. GRCh37 (hg19) VCF-style: chr2-216243945-G-A.
Other names: c.5530C>T, p.Arg1844Ter (NM_001306129.2); c.5260C>T, p.Arg1754Ter (NM_001306130.2, NM_001365517.2, NM_001365519.2 and 2 more transcripts); c.4987C>T, p.Arg1663Ter (NM_001306131.2, NM_001306132.2, NM_001365523.2 and 2 more transcripts); c.5257C>T, p.Arg1753Ter (NM_001365518.2, NM_001365520.2, NM_001365524.2 and 2 more transcripts); short protein forms R1844*, R1663*, R1753*, R1754*.
Identifiers: ClinVar variation 4724962 (VCV004724962.1).